The following is an entry in ClinVar:

NM_001080397.3(SLC45A1):c.1842C>T (p.Phe614=)

Gene: SLC45A1 (solute carrier family 45 member 1; plus strand). Cytogenetic location: 1p36.23.
Variant type: single nucleotide variant.
Coding change: c.1842C>T on transcript NM_001080397.3 (MANE Select); coding-DNA position 1842, C replaced by T.
Protein change: p.Phe614=; no amino-acid change (phenylalanine 614 retained).
Molecular consequence: synonymous variant.
Genome position (GRCh38, 1-based): chr1:8,339,560, C>T. VCF-style: chr1-8339560-C-T. GRCh37 (hg19) VCF-style: chr1-8399620-C-T.
Other names: c.1866C>T, p.Phe622= (NM_001379614.1); c.1773C>T, p.Phe591= (NM_001379615.1); c.1749C>T, p.Phe583= (NM_001379616.1); c.1260C>T, p.Phe420= (NM_001379617.1); c.1236C>T, p.Phe412= (NM_001379618.1).
Identifiers: ClinVar variation 4534263 (VCV004534263.6).

ClinVar aggregate classification (germline): Likely benign (1 of 4 stars; one submission).

gnomAD v4.1: 112 of 1,614,128 alleles (0.0069%); highest among the groups gnomAD compares: Middle Eastern, 0.016%; no homozygotes.

Submission:

CeGaT Center for Human Genetics Tuebingen
Classification: Likely benign. Last evaluated: 2025-11-01. Review status: criteria provided, single submitter. Criteria: CeGaT Center For Human Genetics Tuebingen Variant Classification Criteria Version 2. Collection method: clinical testing. Allele origin: germline. Affected: yes. Observed: 1 variant allele.
Comment: SLC45A1: BP4, BP7